The following is an entry in ClinVar:

NM_002485.5(NBN):c.179C>G (p.Thr60Arg)

Gene: NBN (nibrin; minus strand). Cytogenetic location: 8q21.3.
Variant type: single nucleotide variant.
Coding change: c.179C>G on transcript NM_002485.5 (MANE Select); coding-DNA position 179, C replaced by G.
Protein change: p.Thr60Arg; replaces threonine 60 with arginine.
Molecular consequence: missense variant. On other transcripts: 5 prime UTR variant (1).
Genome position (GRCh38, 1-based): chr8:89,981,516, G>C on the plus strand (C>G on the coding strand, the complement: NBN is on the minus strand). VCF-style: chr8-89981516-G-C. GRCh37 (hg19) VCF-style: chr8-90993744-G-C.
Other names: c.-68C>G (NM_001024688.3); short protein forms T60R.
Identifiers: ClinVar variation 1780329 (VCV001780329.2), dbSNP rs1586109164, ClinGen allele CA371662628.

ClinVar aggregate classification (germline): Uncertain significance (1 of 4 stars; one submission).

Conditions:
Hereditary cancer-predisposing syndrome. Also called: Neoplastic Syndromes, Hereditary; Tumor predisposition; Hereditary Cancer Syndrome; Hereditary neoplastic syndrome. Identifiers: Orphanet 140162, MedGen C0027672, MeSH D009386, MONDO:0015356.

Submission:

Ambry Genetics
Classification: Uncertain significance for Hereditary cancer-predisposing syndrome. Last evaluated: 2020-05-13. Review status: criteria provided, single submitter. Criteria: Ambry Variant Classification Scheme 2023. Collection method: clinical testing. Allele origin: germline.
Comment: The p.T60R variant (also known as c.179C>G), located in coding exon 3 of the NBN gene, results from a C to G substitution at nucleotide position 179. The threonine at codon 60 is replaced by arginine, an amino acid with similar properties. This amino acid position is not well conserved in available vertebrate species. In addition, this alteration is predicted to be tolerated by in silico analysis. Since supporting evidence is limited at this time, the clinical significance of this alteration remains unclear.